The following is an entry in ClinVar:

ClinVar aggregate classification (germline): Uncertain significance (1 of 4 stars; one submission).

Allele frequency attached by ClinVar (database versions not stated): gnomAD exomes below 0.00001; ExAC 0.00002.
gnomAD v4.1: 2 of 1,607,062 alleles (0.00012%); highest among the groups gnomAD compares: Admixed American, 0.0034%; no homozygotes.

Submission:

Ambry Genetics
Classification: Uncertain significance. Last evaluated: 2022-03-07. Review status: criteria provided, single submitter. Criteria: Ambry Variant Classification Scheme 2023. Collection method: clinical testing. Allele origin: germline.
Comment: The p.F1855S variant (also known as c.5564T>C), located in coding exon 41 of the PRKDC gene, results from a T to C substitution at nucleotide position 5564. The phenylalanine at codon 1855 is replaced by serine, an amino acid with highly dissimilar properties. This amino acid position is conserved. Since supporting evidence is limited at this time, the clinical significance of this alteration remains unclear.

NM_006904.7(PRKDC):c.5564T>C (p.Phe1855Ser)

Gene: PRKDC (protein kinase, DNA-activated, catalytic subunit; minus strand). Cytogenetic location: 8q11.21.
Variant type: single nucleotide variant.
Coding change: c.5564T>C on transcript NM_006904.7 (MANE Select); coding-DNA position 5564, T replaced by C.
Protein change: p.Phe1855Ser; replaces phenylalanine 1855 with serine.
Molecular consequence: missense variant.
Genome position (GRCh38, 1-based): chr8:47,864,563, A>G on the plus strand (T>C on the coding strand, the complement: PRKDC is on the minus strand). VCF-style: chr8-47864563-A-G. GRCh37 (hg19) VCF-style: chr8-48777124-A-G.
Other names: c.5564T>C, p.Phe1855Ser (NM_001081640.2); short protein forms F1855S.
Identifiers: ClinVar variation 1748329 (VCV001748329.2), dbSNP rs756217300, ClinGen allele CA4740611.